The following is an entry in ClinVar:

ClinVar aggregate classification (germline): Conflicting classifications of pathogenicity. Review status: criteria provided, conflicting classifications (1 of 4 stars). 2 submissions from 2 submitters: Uncertain significance (1); Likely benign (1). Last evaluated 2025-04-12.

Conditions:
Hereditary cancer-predisposing syndrome. Also called: Neoplastic Syndromes, Hereditary; Tumor predisposition; Hereditary Cancer Syndrome; Hereditary neoplastic syndrome. Identifiers: Orphanet 140162, MedGen C0027672, MeSH D009386, MONDO:0015356.

Submissions (2):

Ambry Genetics
Classification: Likely benign for Hereditary cancer-predisposing syndrome. Last evaluated: 2025-04-12. Review status: criteria provided, single submitter. Criteria: Ambry Variant Classification Scheme 2023. Collection method: clinical testing. Allele origin: germline.

Labcorp Genetics (formerly Invitae), Labcorp
Classification: Uncertain significance. Last evaluated: 2022-12-14. Review status: criteria provided, single submitter. Criteria: Invitae Variant Classification Sherloc (09022015). Collection method: clinical testing. Allele origin: germline.
Comment: In summary, the available evidence is currently insufficient to determine the role of this variant in disease. Therefore, it has been classified as a Variant of Uncertain Significance. Advanced modeling of protein sequence and biophysical properties (such as structural, functional, and spatial information, amino acid conservation, physicochemical variation, residue mobility, and thermodynamic stability) performed at Invitae indicates that this missense variant is not expected to disrupt POLE protein function. This variant has not been reported in the literature in individuals affected with POLE-related conditions. This variant is not present in population databases (gnomAD no frequency). This sequence change replaces leucine, which is neutral and non-polar, with proline, which is neutral and non-polar, at codon 1220 of the POLE protein (p.Leu1220Pro).

NM_006231.4(POLE):c.3659T>C (p.Leu1220Pro)

Gene: POLE (DNA polymerase epsilon, catalytic subunit; minus strand). Cytogenetic location: 12q24.33.
Variant type: single nucleotide variant.
Coding change: c.3659T>C on transcript NM_006231.4 (MANE Select); coding-DNA position 3659, T replaced by C.
Protein change: p.Leu1220Pro; replaces leucine 1220 with proline.
Molecular consequence: missense variant.
Genome position (GRCh38, 1-based): chr12:132,649,813, A>G on the plus strand (T>C on the coding strand, the complement: POLE is on the minus strand). VCF-style: chr12-132649813-A-G. GRCh37 (hg19) VCF-style: chr12-133226399-A-G.
Other names: c.3659T>C (NM_006231.2); short protein forms L1220P.
Identifiers: ClinVar variation 2820870 (VCV002820870.5), dbSNP rs2541955127, ClinGen allele CA387386732.